The following is an entry in ClinVar:

NC_000019.9:g.(?_1461942)_(1462196_?)del

Gene: APC2 (APC regulator of WNT signaling pathway 2; plus strand). Cytogenetic location: 19p13.3.
Variant type: Deletion.
Identifiers: ClinVar variation 3242688 (VCV003242688.1).

ClinVar aggregate classification (germline): Pathogenic (1 of 4 stars; one submission).

Submission:

Labcorp Genetics (formerly Invitae), Labcorp
Classification: Pathogenic. Last evaluated: 2023-12-04. Review status: criteria provided, single submitter. Criteria: Invitae Variant Classification Sherloc (09022015). Collection method: clinical testing. Allele origin: unknown.
Comment: This variant is a gross deletion of the genomic region encompassing exon(s) 14 of the APC2 gene. While this deletion is not anticipated to lead to nonsense mediated decay, it is expected to disrupt the C-terminus of the protein. This variant has not been reported in the literature in individuals affected with APC2-related conditions. This variant disrupts a region of the APC2 protein in which other variant(s) (p.Leu947Hisfs*88) have been determined to be pathogenic (PMID: 31585108). This suggests that this is a clinically significant region of the protein, and that variants that disrupt it are likely to be disease-causing. For these reasons, this variant has been classified as Pathogenic.

Literature cited by the submitters: PubMed 31585108.